The following is an entry in ClinVar:

ClinVar aggregate classification (germline): Pathogenic (1 of 4 stars; one submission).

Conditions:
GGCX-related disorder. Also called: GGCX-related condition; GGCX - Related Disorders.

Submission:

PreventionGenetics, part of Exact Sciences
Classification: Pathogenic for GGCX-related condition. Last evaluated: 2026-06-29. Review status: criteria provided, single submitter. Criteria: ACMG Guidelines, 2015. Collection method: clinical testing. Allele origin: germline.
Comment: The GGCX c.521T>G variant is predicted to result in the amino acid substitution p.Met174Arg. This variant was reported in the compound heterozygous state in an individual with vitamin K dependent coagulation factor deficiency (VKCFD) (Lunghi et al. 2011. PubMed ID: 21435120). This variant was reported in an additional individual with VKCFD and Keutel syndrome-like phenotypes (Tie et al. 2016. PubMed ID: 26758921). This variant is located in a region of the carboxylase molecule reported to be involved in interactions with the propeptide substrate (Lunghi et al. 2011. PubMed ID: 21435120). Functional analyses indicated that this variant disrupts the protein structure of GGCX (Tie et al. 2016. PubMed ID: 26758921) and abolished carboxylation activity (Hao et al. 2021. PubMed ID: 33507293). This variant was also found to reduce γ‐carboxylation of the Gla rich protein (GRP), leading to skin laxity (Ghosh et al. 2021. PubMed ID: 34816548). This variant is reported in 0.00088% of alleles in individuals of European (Non-Finnish) descent in gnomAD. This variant is interpreted as pathogenic.

NM_000821.7(GGCX):c.521T>G (p.Met174Arg)

Gene: GGCX (gamma-glutamyl carboxylase; minus strand). Cytogenetic location: 2p11.2.
Variant type: single nucleotide variant.
Coding change: c.521T>G on transcript NM_000821.7 (MANE Select); coding-DNA position 521, T replaced by G.
Protein change: p.Met174Arg; replaces methionine 174 with arginine.
Molecular consequence: missense variant.
Genome position (GRCh38, 1-based): chr2:85,558,458, A>C on the plus strand (T>G on the coding strand, the complement: GGCX is on the minus strand). VCF-style: chr2-85558458-A-C. GRCh37 (hg19) VCF-style: chr2-85785581-A-C.
Other names: c.350T>G, p.Met117Arg (NM_001142269.4); short protein forms M174R, M117R.
Identifiers: ClinVar variation 4999614 (VCV004999614.1).